The following is an entry in ClinVar:

NM_002880.4(RAF1):c.113A>C (p.Tyr38Ser)

Gene: RAF1 (Raf-1 proto-oncogene, serine/threonine kinase; minus strand). Cytogenetic location: 3p25.2.
Variant type: single nucleotide variant.
Coding change: c.113A>C on transcript NM_002880.4 (MANE Select); coding-DNA position 113, A replaced by C.
Protein change: p.Tyr38Ser; replaces tyrosine 38 with serine.
Molecular consequence: missense variant. On other transcripts: 5 prime UTR variant (4), non-coding transcript variant (3).
Genome position (GRCh38, 1-based): chr3:12,618,609, T>G on the plus strand (A>C on the coding strand, the complement: RAF1 is on the minus strand). VCF-style: chr3-12618609-T-G. GRCh37 (hg19) VCF-style: chr3-12660108-T-G.
Other names: c.113A>C, p.Tyr38Ser (NM_001354689.3, NM_001354690.3, NM_001354693.3); c.-18A>C (NM_001354691.3, NM_001354692.3, NM_001354694.3 and 1 more transcripts); short protein forms Y38S.
Identifiers: ClinVar variation 520262 (VCV000520262.20), dbSNP rs576041742, ClinGen allele CA2259836.

ClinVar aggregate classification (germline): Conflicting classifications of pathogenicity. Review status: criteria provided, conflicting classifications (1 of 4 stars). 3 submissions from 3 submitters: Uncertain significance (2); Likely benign (1). Last evaluated 2025-12-20.

Conditions:
Noonan syndrome and Noonan-related syndrome. Identifiers: Orphanet 98733, MedGen C5681679, MONDO:0020297.
Cardiovascular phenotype. Identifiers: MedGen CN230736.
RASopathy. Also called: rasopathies; Noonan spectrum disorder. Identifiers: Orphanet 536391, MedGen C5555857, MONDO:0021060.

Allele frequency attached by ClinVar (database versions not stated): ExAC 0.00003; 1000 Genomes Project 30x 0.00016; 1000 Genomes Project 0.00020.
gnomAD v4.1: 18 of 1,614,218 alleles (0.0011%); highest among the groups gnomAD compares: South Asian, 0.016%; no homozygotes.

Submissions (3):

Labcorp Genetics (formerly Invitae), Labcorp
Classification: Likely benign for RASopathy. Last evaluated: 2025-12-20. Review status: criteria provided, single submitter. Criteria: Invitae Variant Classification Sherloc (09022015). Collection method: clinical testing. Allele origin: germline.

Ambry Genetics
Classification: Uncertain significance for Cardiovascular phenotype. Last evaluated: 2024-05-01. Review status: criteria provided, single submitter. Criteria: Ambry Variant Classification Scheme 2023. Collection method: clinical testing. Allele origin: germline.
Comment: The p.Y38S variant (also known as c.113A>C), located in coding exon 1 of the RAF1 gene, results from an A to C substitution at nucleotide position 113. The tyrosine at codon 38 is replaced by serine, an amino acid with dissimilar properties. This amino acid position is not well conserved in available vertebrate species. In addition, this alteration is predicted to be tolerated by in silico analysis. Based on the available evidence, the clinical significance of this variant remains unclear.

Genome Diagnostics Laboratory, The Hospital for Sick Children
Classification: Uncertain significance for Noonan syndrome and Noonan-related syndrome. Last evaluated: 2021-02-22. Review status: criteria provided, single submitter. Criteria: ACMG Guidelines, 2015. Collection method: clinical testing. Allele origin: germline.